The following is an entry in ClinVar:

NM_003924.4(PHOX2B):c.167G>T (p.Gly56Val)

Genes: PHOX2B (paired like homeobox 2B; minus strand), PHOX2B-AS1 (PHOX2B antisense RNA 1; plus strand). Cytogenetic location: 4p13.
Variant type: single nucleotide variant.
Coding change: c.167G>T on transcript NM_003924.4 (MANE Select); coding-DNA position 167, G replaced by T.
Protein change: p.Gly56Val; replaces glycine 56 with valine.
Molecular consequence: missense variant.
Genome position (GRCh38, 1-based): chr4:41,748,444, C>A on the plus strand (G>T on the coding strand, the complement: PHOX2B is on the minus strand). VCF-style: chr4-41748444-C-A. GRCh37 (hg19) VCF-style: chr4-41750461-C-A.
Other names: short protein forms G56V.
Identifiers: ClinVar variation 862273 (VCV000862273.11), dbSNP rs1733982125, ClinGen allele CA356740935.
Genomic context (GRCh38, chr4:41,748,444, plus strand): 5'-CTGCTCTGGTGGTCCCTGAGGGTGCCCAGGCTGCAGGATCCCGGCGTGAGGGAAGGGCAG[C>A]CGGACGTGGCCCCAAAAGTGGTCCTTATCGGGTTATACTGGAAGCCACTGGCCTGGCTGC-3'
Protein context (NP_003915.2, residues 46-66): PIRTTFGATS[Gly56Val]CPSLTPGSCS

ClinVar aggregate classification (germline): Uncertain significance. Review status: criteria provided, multiple submitters, no conflicts (2 of 4 stars). 3 submissions from 3 submitters: Uncertain significance (3). Last evaluated 2025-07-28.

Conditions:
Haddad syndrome (OHD). Also called: Ondine-Hirschsprung disease. Identifiers: Orphanet 99803, MedGen C1859049, MONDO:0020493.
Hereditary cancer-predisposing syndrome. Also called: Tumor predisposition; Hereditary neoplastic syndrome; Neoplastic Syndromes, Hereditary; Hereditary Cancer Syndrome. Identifiers: Orphanet 140162, MedGen C0027672, MeSH D009386, MONDO:0015356.

Submissions (3):

Ambry Genetics
Classification: Uncertain significance for Hereditary cancer-predisposing syndrome. Last evaluated: 2025-07-28. Review status: criteria provided, single submitter. Criteria: Ambry Variant Classification Scheme 2023. Collection method: clinical testing. Allele origin: germline.
Comment: The p.G56V variant (also known as c.167G>T), located in coding exon 1 of the PHOX2B gene, results from a G to T substitution at nucleotide position 167. The glycine at codon 56 is replaced by valine, an amino acid with dissimilar properties. This amino acid position is conserved. In addition, the in silico prediction for this alteration is inconclusive. Since supporting evidence is limited at this time, the clinical significance of this alteration remains unclear.

GeneDx
Classification: Uncertain significance. Last evaluated: 2023-10-05. Review status: criteria provided, single submitter. Criteria: GeneDx Variant Classification Process June 2021. Collection method: clinical testing. Allele origin: germline. Affected: yes.
Comment: Not observed at significant frequency in large population cohorts (gnomAD); In silico analysis supports that this missense variant does not alter protein structure/function; Has not been previously published as pathogenic or benign to our knowledge

Labcorp Genetics (formerly Invitae), Labcorp
Classification: Uncertain significance for Haddad syndrome. Last evaluated: 2022-03-05. Review status: criteria provided, single submitter. Criteria: Invitae Variant Classification Sherloc (09022015). Collection method: clinical testing. Allele origin: germline.
Comment: This variant is not present in population databases (gnomAD no frequency). This sequence change replaces glycine, which is neutral and non-polar, with valine, which is neutral and non-polar, at codon 56 of the PHOX2B protein (p.Gly56Val). This variant has not been reported in the literature in individuals affected with PHOX2B-related conditions. In summary, the available evidence is currently insufficient to determine the role of this variant in disease. Therefore, it has been classified as a Variant of Uncertain Significance. Algorithms developed to predict the effect of missense changes on protein structure and function are either unavailable or do not agree on the potential impact of this missense change (SIFT: "Deleterious"; PolyPhen-2: "Benign"; Align-GVGD: "Class C65"). ClinVar contains an entry for this variant (Variation ID: 862273).